The following is an entry in ClinVar:

ClinVar aggregate classification (germline): Likely pathogenic (1 of 4 stars; one submission).

Submission:

Labcorp Genetics (formerly Invitae), Labcorp
Classification: Likely pathogenic. Last evaluated: 2024-04-17. Review status: criteria provided, single submitter. Criteria: Invitae Variant Classification Sherloc (09022015). Collection method: clinical testing. Allele origin: germline.
Comment: This sequence change affects a donor splice site in intron 5 of the FECH gene. It is expected to disrupt RNA splicing. Variants that disrupt the donor or acceptor splice site typically lead to a loss of protein function (PMID: 16199547), and loss-of-function variants in FECH are known to be pathogenic (PMID: 20105171, 23016163, 23364466). This variant is not present in population databases (gnomAD no frequency). Disruption of this splice site has been observed in individual(s) with erythropoietic protoporphyria (PMID: 10431482, 23364466, 33021473; Invitae). Algorithms developed to predict the effect of sequence changes on RNA splicing suggest that this variant may disrupt the consensus splice site. In summary, the currently available evidence indicates that the variant is pathogenic, but additional data are needed to prove that conclusively. Therefore, this variant has been classified as Likely Pathogenic.

Literature cited by the submitters: PubMed 16199547; PubMed 20105171; PubMed 23016163; PubMed 23364466; PubMed 10431482; PubMed 33021473.

NM_000140.5(FECH):c.598+2T>G

Gene: FECH (ferrochelatase; minus strand). Cytogenetic location: 18q21.31.
Variant type: single nucleotide variant.
Coding change: c.598+2T>G on transcript NM_000140.5 (MANE Select); the canonical splice donor site of the intron after coding-DNA position 598, T replaced by G.
Molecular consequence: splice donor variant.
Genome position (GRCh38, 1-based): chr18:57,566,445, A>C on the plus strand (T>G on the coding strand, the complement: FECH is on the minus strand). VCF-style: chr18-57566445-A-C. GRCh37 (hg19) VCF-style: chr18-55233677-A-C.
Other names: c.598+2T>G (NM_001371094.1, NM_001374778.1); c.616+2T>G (NM_001012515.4); c.382+2T>G (NM_001371095.1).
Identifiers: ClinVar variation 3650250 (VCV003650250.2).